The following is an entry in ClinVar:

GRCh38/hg38 16p13.12-13.11(chr16:14692101-16527136)x1

Genes: ABCC1 (ATP binding cassette subfamily C member 1 (ABCC1 blood group); plus strand), ABCC6 (ATP binding cassette subfamily C member 6; minus strand), BMERB1 (bMERB domain containing 1; plus strand), CEP20 (centrosomal protein 20; minus strand), MARF1 (meiosis regulator and mRNA stability factor 1; minus strand) and 54 more. Cytogenetic location: 16p13.12-13.11.
Variant type: copy number loss.
Change: copy number 1 (one copy instead of two) of chr16:14,692,101-16,527,136 (1.84 Mb, GRCh38 coordinates, 1-based), cytogenetic band 16p13.12-13.11.
Identifiers: ClinVar variation 4888417 (VCV004888417.1).

ClinVar aggregate classification (germline): Likely pathogenic (1 of 4 stars; one submission).

Conditions:
16p13.11 recurrent microdeletion syndrome.

Submission:

New York Genome Center
Classification: Likely pathogenic for 16p13.11 recurrent microdeletion syndrome. Last evaluated: 2024-06-20. Review status: criteria provided, single submitter. Criteria: NYGC Assertion Criteria 2020. Collection method: clinical testing. Allele origin: de novo. Observed: 1 variant allele.
Comment: This region harbors a cluster of low copy repeats that lead to recurrent copy number changes, mainly three single copy intervals between segmental duplications [PMID: 21150890, 19786961]. Interval I includes the genes RRN3 and PDXDC1; Interval II includes MYH11, NDE1, and ABCC6, and Interval III includes XYLT1. Deletions and duplications most commonly include the genes in interval II but may extend to include intervals I and III [PMID: 21150890, 19786961]. The presence of these repeats makes mapping the exact breakpoints with short-read sequencing and/or microarray difficult. Deletions in this region are associated with 16p13.11 BP2-BP3 recurrent deletion syndrome, which has a high degree of phenotypic variability and confers susceptibility to a variety of developmental disorders including developmental delay, microcephaly, epilepsy, short stature, facial dysmorphism, and behavioral problems [PMID: 18550696, 19843651, 24246141]. Microdeletions appear de novo or are inherited from mildly affected or completely normal parents in an autosomal dominant manner, suggesting that the microdeletion has incomplete penetrance and variable expressivity [PMID: 17480035, 18550696, 19843651]. ClinGen haploinsufficiency score is 3 for this region meaning sufficient evidence for dosage pathogenicity. Based on the available evidence the 16p13.11 BP2-BP3 deletion is classified as likely pathogenic.